The following is an entry in ClinVar:

NM_001754.5(RUNX1):c.277G>T (p.Asp93Tyr)

Gene: RUNX1 (RUNX family transcription factor 1; minus strand). Cytogenetic location: 21q22.12.
Variant type: single nucleotide variant.
Coding change: c.277G>T on transcript NM_001754.5 (MANE Select); coding-DNA position 277, G replaced by T.
Protein change: p.Asp93Tyr; replaces aspartic acid 93 with tyrosine.
Molecular consequence: missense variant.
Genome position (GRCh38, 1-based): chr21:34,886,917, C>A on the plus strand (G>T on the coding strand, the complement: RUNX1 is on the minus strand). VCF-style: chr21-34886917-C-A. GRCh37 (hg19) VCF-style: chr21-36259214-C-A.
Other names: NM_001754.5(RUNX1):c.277G>T; p.Asp93Tyr; c.196G>T, p.Asp66Tyr (NM_001001890.3, NM_001122607.2); short protein forms D93Y, D66Y.
Identifiers: ClinVar variation 3948882 (VCV003948882.2).

ClinVar aggregate classification (germline): Uncertain significance. Review status: reviewed by expert panel (3 of 4 stars). 2 submissions from 2 submitters: Uncertain significance (1). 1 of the submissions does not count toward it. Last evaluated 2026-05-27.

Conditions:
Inborn genetic diseases. Identifiers: MedGen C0950123, MeSH D030342.
Hereditary thrombocytopenia and hematologic cancer predisposition syndrome. Identifiers: Orphanet 71290, MedGen CN281654, MONDO:0011071.

gnomAD v4.1: 1 of 1,613,488 alleles (0.000062%); highest among the groups gnomAD compares: Non-Finnish European, 0.000085%; no homozygotes.

Submissions (2):

ClinGen Myeloid Malignancy Variant Curation Expert Panel
Classification: Uncertain significance for Hereditary thrombocytopenia and hematologic cancer predisposition syndrome. Last evaluated: 2026-05-27. Review status: reviewed by expert panel. Criteria: ClinGen MyeloMalig ACMG Specifications V3.1. Collection method: curation. Allele origin: germline. Inheritance: Autosomal dominant inheritance.
Comment: NM_001754.5:c.277G>T (p.Asp93Tyr) is a missense variant which affects a residue (D93) within the RHD (PM1_Supporting). This missense variant has a MAF ≤ 0.00005 in gnomAD v4 across all subpopulations with at least 20x coverage for RUNX1 (PM2_Supporting) and has a REVEL score ≥ 0.88 (0.944)(PP3). In summary, the clinical significance of this variant is uncertain. ACMG/AMP criteria applied, as specified by the Myeloid Malignancy Variant Curation Expert Panel for RUNX1: PM1_Supporting, PM2_Supporting, PP3.

Ambry Genetics
Classification: Uncertain significance for Inborn genetic diseases. Last evaluated: 2025-05-22. Review status: criteria provided, single submitter. Criteria: Ambry Variant Classification Scheme 2023. Collection method: clinical testing. Allele origin: germline. Not counted in ClinVar's aggregate classification.
Comment: The p.D93Y variant (also known as c.277G>T), located in coding exon 3 of the RUNX1 gene, results from a G to T substitution at nucleotide position 277. The aspartic acid at codon 93 is replaced by tyrosine, an amino acid with highly dissimilar properties. This amino acid position is highly conserved in available vertebrate species. In addition, this alteration is predicted to be deleterious by in silico analysis. Based on the available evidence, the clinical significance of this variant remains unclear.